The following is an entry in ClinVar:

ClinVar aggregate classification (germline): Pathogenic (0 of 4 stars; one submission).

Conditions:
ANK1-related disorder. Also called: ANK1-related condition.

Submission:

PreventionGenetics, part of Exact Sciences
Classification: Pathogenic for ANK1-related condition. Last evaluated: 2023-12-01. Review status: no assertion criteria provided. Collection method: clinical testing. Allele origin: germline.
Comment: The ANK1 c.3476_3477insAG variant is predicted to result in a frameshift and premature protein termination (p.Arg1160Glyfs*30). To our knowledge, this variant has not been reported in the literature or in a large population database, indicating this variant is rare. Frameshift variants in ANK1 are expected to be pathogenic. This variant is interpreted as pathogenic.

NM_000037.4(ANK1):c.3476_3477insAG (p.Arg1160fs)

Gene: ANK1 (ankyrin 1; minus strand). Cytogenetic location: 8p11.21.
Variant type: Insertion.
Coding change: c.3476_3477insAG on transcript NM_000037.4 (MANE Select); coding-DNA positions 3476 to 3477, AG inserted.
Protein change: p.Arg1160fs; shifts the reading frame from arginine 1160.
Molecular consequence: frameshift variant.
Genome position: GRCh38 VCF-style: chr8-41693953-C-CCT. GRCh37 (hg19) VCF-style: chr8-41551471-C-CCT.
Other names: c.3599_3600insAG, p.Arg1201fs (NM_001142446.2); c.3476_3477insAG, p.Arg1160fs (NM_020475.3, NM_020476.3, NM_020477.3); short protein forms R1160fs, R1201fs.
Identifiers: ClinVar variation 3033333 (VCV003033333.2), dbSNP rs2486768968, ClinGen allele CA2740095003.